The following is an entry in ClinVar:

ClinVar aggregate classification (germline): Uncertain significance (1 of 4 stars; one submission).

Conditions:
Neonatal-onset encephalopathy with rigidity and seizures. Also called: Lethal neonatal spasticity-epileptic encephalopathy syndrome. Identifiers: Orphanet 435845, MedGen C3281029, MONDO:0013784, OMIM 614498.

Submission:

Labcorp Genetics (formerly Invitae), Labcorp
Classification: Uncertain significance for Neonatal-onset encephalopathy with rigidity and seizures. Last evaluated: 2019-06-28. Review status: criteria provided, single submitter. Criteria: Invitae Variant Classification Sherloc (09022015). Collection method: clinical testing. Allele origin: germline.
Comment: In summary, the available evidence is currently insufficient to determine the role of this variant in disease. Therefore, it has been classified as a Variant of Uncertain Significance. Algorithms developed to predict the effect of sequence changes on RNA splicing suggest that this variant may create or strengthen a splice site, but this prediction has not been confirmed by published transcriptional studies. Algorithms developed to predict the effect of missense changes on protein structure and function output the following: SIFT: "Tolerated"; PolyPhen-2: "Benign"; Align-GVGD: "Class C0". The serine amino acid residue is found in multiple mammalian species, suggesting that this missense change does not adversely affect protein function. These predictions have not been confirmed by published functional studies and their clinical significance is uncertain. This variant has not been reported in the literature in individuals with BRAT1-related conditions. This variant is not present in population databases (ExAC no frequency). This sequence change replaces cysteine with serine at codon 246 of the BRAT1 protein (p.Cys246Ser). The cysteine residue is weakly conserved and there is a moderate physicochemical difference between cysteine and serine.

NM_152743.4(BRAT1):c.736T>A (p.Cys246Ser)

Gene: BRAT1 (BRCA1 associated ATM activator 1; minus strand). Cytogenetic location: 7p22.3.
Variant type: single nucleotide variant.
Coding change: c.736T>A on transcript NM_152743.4 (MANE Select); coding-DNA position 736, T replaced by A.
Protein change: p.Cys246Ser; replaces cysteine 246 with serine.
Molecular consequence: missense variant. On other transcripts: non-coding transcript variant (1).
Genome position (GRCh38, 1-based): chr7:2,543,657, A>T on the plus strand (T>A on the coding strand, the complement: BRAT1 is on the minus strand). VCF-style: chr7-2543657-A-T. GRCh37 (hg19) VCF-style: chr7-2583291-A-T.
Other names: c.736T>A, p.Cys246Ser (NM_001350626.2); c.211T>A, p.Cys71Ser (NM_001350627.2); short protein forms C71S, C246S.
Identifiers: ClinVar variation 935619 (VCV000935619.9), dbSNP rs1779358493, ClinGen allele CA366631888.